The following is an entry in ClinVar:

NM_021815.5(SLC5A7):c.836del (p.Phe279fs)

Gene: SLC5A7 (solute carrier family 5 member 7; plus strand). Cytogenetic location: 2q12.3.
Variant type: Deletion.
Coding change: c.836del on transcript NM_021815.5 (MANE Select); coding-DNA position 836, one base deleted (T; older notation c.836delT).
Protein change: p.Phe279fs; shifts the reading frame from phenylalanine 279.
Molecular consequence: frameshift variant.
Genome position (GRCh38, 1-based): chr2:108,006,143, T deleted; the last of 3 consecutive T bases (chr2:108,006,141-108,006,143); deleting any one gives the same sequence. VCF-style (leftmost placement, unchanged base first): chr2-108006140-CT-C. GRCh37 (hg19) VCF-style: chr2-108622596-CT-C.
Other names: c.836del, p.Phe279fs (NM_001305005.3); c.521del, p.Phe174fs (NM_001305006.3); c.95del, p.Phe32fs (NM_001305007.3); short protein forms F32fs, F174fs, F279fs.
Identifiers: ClinVar variation 4784269 (VCV004784269.1).

ClinVar aggregate classification (germline): Pathogenic (1 of 4 stars; one submission).

Conditions:
Congenital myasthenic syndrome 20. Also called: Myasthenic syndrome, congenital, 20, presynaptic. Identifiers: MedGen C4310694, MONDO:0014939, OMIM 617143.
Neuronopathy, distal hereditary motor, type 7A. Also called: Neuronopathy, distal hereditary motor, type viia; NEURONOPATHY, DISTAL HEREDITARY MOTOR, HARDING TYPE VIIA; NEUROPATHY, DISTAL HEREDITARY MOTOR, HARDING TYPE VIIA; Neuronopathy, distal hereditary motor, autosomal dominant 7; HARPER-YOUNG MYOPATHY; HMN VIIA. Identifiers: Orphanet 139589, MedGen C1834703, MONDO:0008024, OMIM 158580.

Submission:

Labcorp Genetics (formerly Invitae), Labcorp
Classification: Pathogenic for Neuronopathy, distal hereditary motor, type 7A; Congenital myasthenic syndrome 20. Last evaluated: 2025-03-01. Review status: criteria provided, single submitter. Criteria: Invitae Variant Classification Sherloc (09022015). Collection method: clinical testing. Allele origin: germline.
Comment: This sequence change creates a premature translational stop signal (p.Phe279Serfs*5) in the SLC5A7 gene. It is expected to result in an absent or disrupted protein product. Loss-of-function variants in SLC5A7 are known to be pathogenic (PMID: 15173594, 27569547, 39135055). This variant is not present in population databases (gnomAD no frequency). This variant has not been reported in the literature in individuals affected with SLC5A7-related conditions. For these reasons, this variant has been classified as Pathogenic.

Literature cited by the submitters: PubMed 15173594; PubMed 27569547; PubMed 39135055.